The following is an entry in ClinVar:

NM_182746.3(MCM4):c.1184G>A (p.Arg395Gln)

Gene: MCM4 (minichromosome maintenance complex component 4; plus strand). Cytogenetic location: 8q11.21.
Variant type: single nucleotide variant.
Coding change: c.1184G>A on transcript NM_182746.3 (MANE Select); coding-DNA position 1184, G replaced by A.
Protein change: p.Arg395Gln; replaces arginine 395 with glutamine.
Molecular consequence: missense variant.
Genome position (GRCh38, 1-based): chr8:47,969,807, G>A. VCF-style: chr8-47969807-G-A. GRCh37 (hg19) VCF-style: chr8-48882367-G-A.
Other names: c.1184G>A, p.Arg395Gln (NM_005914.4); short protein forms R395Q.
Identifiers: ClinVar variation 3008928 (VCV003008928.3), dbSNP rs752585290, ClinGen allele CA4742560.

ClinVar aggregate classification (germline): Uncertain significance (1 of 4 stars; one submission).

Allele frequency attached by ClinVar (database versions not stated): gnomAD 0.00001; ExAC 0.00002; gnomAD exomes 0.00001; TOPMed below 0.00001.
gnomAD v4.1: 10 of 1,614,026 alleles (0.00062%); highest among the groups gnomAD compares: South Asian, 0.0055%; no homozygotes.

Submission:

Labcorp Genetics (formerly Invitae), Labcorp
Classification: Uncertain significance. Last evaluated: 2025-08-02. Review status: criteria provided, single submitter. Criteria: Invitae Variant Classification Sherloc (09022015). Collection method: clinical testing. Allele origin: germline.
Comment: This sequence change replaces arginine, which is basic and polar, with glutamine, which is neutral and polar, at codon 395 of the MCM4 protein (p.Arg395Gln). This variant is present in population databases (rs752585290, gnomAD 0.006%). This variant has not been reported in the literature in individuals affected with MCM4-related conditions. ClinVar contains an entry for this variant (Variation ID: 3008928). Invitae Evidence Modeling of protein sequence and biophysical properties (such as structural, functional, and spatial information, amino acid conservation, physicochemical variation, residue mobility, and thermodynamic stability) indicates that this missense variant is expected to disrupt MCM4 protein function with a positive predictive value of 80%. In summary, the available evidence is currently insufficient to determine the role of this variant in disease. Therefore, it has been classified as a Variant of Uncertain Significance.